The following is an entry in ClinVar:

ClinVar aggregate classification (germline): Conflicting classifications of pathogenicity. Review status: criteria provided, conflicting classifications (1 of 4 stars). 6 submissions from 6 submitters: Uncertain significance (5); Benign (1). Last evaluated 2026-01-17.

Conditions:
Hereditary cancer-predisposing syndrome. Also called: Tumor predisposition; Hereditary Cancer Syndrome; Hereditary neoplastic syndrome; Neoplastic Syndromes, Hereditary. Identifiers: Orphanet 140162, MedGen C0027672, MeSH D009386, MONDO:0015356.
Familial adenomatous polyposis 2. Also called: COLORECTAL ADENOMATOUS POLYPOSIS, AUTOSOMAL RECESSIVE; ADENOMAS, MULTIPLE COLORECTAL, AUTOSOMAL RECESSIVE; Adenomas, multiple colorectal; MUTYH Polyposis; MUTYH-associated polyposis; FAP type 2. Identifiers: Orphanet 220460, Orphanet 247798, MedGen C3272841, MONDO:0012041, OMIM 608456.

Allele frequency attached by ClinVar (database versions not stated): TOPMed below 0.00001.

Submissions (6):

Labcorp Genetics (formerly Invitae), Labcorp
Classification: Uncertain significance for Familial adenomatous polyposis 2. Last evaluated: 2026-01-17. Review status: criteria provided, single submitter. Criteria: Invitae Variant Classification Sherloc (09022015). Collection method: clinical testing. Allele origin: germline.
Comment: This sequence change replaces cysteine, which is neutral and slightly polar, with tyrosine, which is neutral and polar, at codon 505 of the MUTYH protein (p.Cys505Tyr). This variant is not present in population databases (gnomAD no frequency). This variant has not been reported in the literature in individuals affected with MUTYH-related conditions. ClinVar contains an entry for this variant (Variation ID: 419117). An algorithm developed to predict the effect of missense changes on protein structure and function (PolyPhen-2) suggests that this variant is likely to be tolerated. In summary, the available evidence is currently insufficient to determine the role of this variant in disease. Therefore, it has been classified as a Variant of Uncertain Significance.

Ambry Genetics
Classification: Benign for Hereditary cancer-predisposing syndrome. Last evaluated: 2025-09-09. Review status: criteria provided, single submitter. Criteria: Ambry Variant Classification Scheme 2023. Collection method: clinical testing. Allele origin: germline.

Blueprint Genetics
Classification: Uncertain significance. Last evaluated: 2024-10-31. Review status: criteria provided, single submitter. Criteria: ACMG Guidelines, 2015. Collection method: clinical testing. Allele origin: germline.

Color Diagnostics, LLC DBA Color Health
Classification: Uncertain significance for Hereditary cancer-predisposing syndrome. Last evaluated: 2024-03-06. Review status: criteria provided, single submitter. Criteria: ACMG Guidelines, 2015. Collection method: clinical testing. Allele origin: germline.
Comment: This missense variant replaces cysteine with tyrosine at codon 505 of the MUTYH protein. Computational prediction suggests that this variant may not impact protein structure and function (internally defined REVEL score threshold <= 0.5, PMID: 27666373). To our knowledge, functional studies have not been reported for this variant. This variant has not been reported in individuals affected with MUTYH-related disorders in the literature. This variant has not been identified in the general population by the Genome Aggregation Database (gnomAD). The available evidence is insufficient to determine the role of this variant in disease conclusively. Therefore, this variant is classified as a Variant of Uncertain Significance.

All of Us Research Program, National Institutes of Health
Classification: Uncertain significance for Familial adenomatous polyposis 2. Last evaluated: 2023-05-31. Review status: criteria provided, single submitter. Criteria: ACMG Guidelines, 2015. Collection method: clinical testing. Allele origin: germline. Inheritance: Autosomal recessive inheritance. Observed: 2 variant alleles, 2 heterozygotes.
Comment: This missense variant replaces cysteine with tyrosine at codon 505 of the MUTYH protein. Computational prediction suggests that this variant may not impact protein structure and function (internally defined REVEL score threshold <= 0.5, PMID: 27666373). To our knowledge, functional studies have not been reported for this variant. This variant has not been reported in individuals affected with MUTYH-related disorders in the literature. This variant has not been identified in the general population by the Genome Aggregation Database (gnomAD). The available evidence is insufficient to determine the role of this variant in disease conclusively. Therefore, this variant is classified as a Variant of Uncertain Significance.

This study involves interpretation of variants in research participants for the purpose of population health screening. Participant phenotype was not available at the time of variant classification. Additional details can be found in publication PMID: 35346344, PMCID: PMC8962531

GeneDx
Classification: Uncertain significance. Last evaluated: 2015-05-26. Review status: criteria provided, single submitter. Criteria: GeneDx Variant Classification (06012015). Collection method: clinical testing. Allele origin: germline. Affected: yes.
Comment: This variant is denoted MUTYH c.1514G>A at the cDNA level, p.Cys505Tyr (C505Y) at the protein level, and results in the change of a Cysteine to a Tyrosine (TGT>TAT). This variant has not, to our knowledge, been published in the literature as pathogenic or benign. MUTYH Cys505Tyr was not observed in approximately 6,500 individuals of European and African American ancestry in the NHLBI Exome Sequencing Project, indicating it is not a common benign variant in these populations. Since Cysteine and Tyrosine differ in polarity, charge, size or other properties, this is considered a non-conservative amino acid substitution. MUTYH Cys505Tyr occurs at a position that is not conserved and is not located in a known functional domain (Ruggieri 2013). In silico analyses are inconsistent regarding the effect this variant may have on protein structure and function. Based on currently available information, it is unclear whether MUTYH Cys505Tyr is pathogenic or benign. We consider it to be a variant of uncertain significance. Of note, MUTYH-Associated Polyposis (MAP) is a recessive condition associated with two pathogenic variants on opposite chromosomes in MUTYH.

NM_001048174.2(MUTYH):c.1430G>A (p.Cys477Tyr)

Gene: MUTYH (mutY DNA glycosylase; minus strand). Cytogenetic location: 1p34.1.
Variant type: single nucleotide variant.
Coding change: c.1430G>A on transcript NM_001048174.2 (MANE Select); coding-DNA position 1430, G replaced by A.
Protein change: p.Cys477Tyr; replaces cysteine 477 with tyrosine.
Molecular consequence: missense variant. On other transcripts: non-coding transcript variant (2).
Genome position (GRCh38, 1-based): chr1:45,330,520, C>T on the plus strand (G>A on the coding strand, the complement: MUTYH is on the minus strand). VCF-style: chr1-45330520-C-T. GRCh37 (hg19) VCF-style: chr1-45796192-C-T.
Other names: c.1430G>A, p.Cys477Tyr (NM_001048171.2, NM_001048173.2, NM_001293195.2); c.1433G>A, p.Cys478Tyr (NM_001048172.2); c.1514G>A, p.Cys505Tyr (NM_001128425.2); c.1475G>A, p.Cys492Tyr (NM_001293190.2); c.1463G>A, p.Cys488Tyr (NM_001293191.2); c.1154G>A, p.Cys385Tyr (NM_001293192.2, NM_001293196.2); c.1085G>A, p.Cys362Tyr (NM_001350650.2, NM_001350651.2); c.1505G>A, p.Cys502Tyr (NM_012222.3); short protein forms C505Y, C478Y, C362Y, C385Y, C477Y, C492Y, C502Y, C488Y.
Identifiers: ClinVar variation 419117 (VCV000419117.23), dbSNP rs1064793656, ClinGen allele CA16617151.